The following is an entry in ClinVar:

NM_052874.5(STX1B):c.161A>G (p.Lys54Arg)

Gene: STX1B (syntaxin 1B; minus strand). Cytogenetic location: 16p11.2.
Variant type: single nucleotide variant.
Coding change: c.161A>G on transcript NM_052874.5 (MANE Select); coding-DNA position 161, A replaced by G.
Protein change: p.Lys54Arg; replaces lysine 54 with arginine.
Molecular consequence: missense variant.
Genome position (GRCh38, 1-based): chr16:31,001,138, T>C on the plus strand (A>G on the coding strand, the complement: STX1B is on the minus strand). VCF-style: chr16-31001138-T-C. GRCh37 (hg19) VCF-style: chr16-31012459-T-C.
Other names: short protein forms K54R.
Identifiers: ClinVar variation 2080039 (VCV002080039.4), dbSNP rs2543967007, ClinGen allele CA395651537.

ClinVar aggregate classification (germline): Uncertain significance (1 of 4 stars; one submission).

Conditions:
Generalized epilepsy with febrile seizures plus, type 9 (GEFSP9). Also called: GEFS+, TYPE 9. Identifiers: Orphanet 36387, MedGen C4015395, MONDO:0014517, OMIM 616172.

Submission:

Labcorp Genetics (formerly Invitae), Labcorp
Classification: Uncertain significance for Generalized epilepsy with febrile seizures plus, type 9. Last evaluated: 2024-01-21. Review status: criteria provided, single submitter. Criteria: Invitae Variant Classification Sherloc (09022015). Collection method: clinical testing. Allele origin: germline.
Comment: This sequence change replaces lysine, which is basic and polar, with arginine, which is basic and polar, at codon 54 of the STX1B protein (p.Lys54Arg). This variant is not present in population databases (gnomAD no frequency). This variant has not been reported in the literature in individuals affected with STX1B-related conditions. ClinVar contains an entry for this variant (Variation ID: 2080039). Advanced modeling of protein sequence and biophysical properties (such as structural, functional, and spatial information, amino acid conservation, physicochemical variation, residue mobility, and thermodynamic stability) performed at Invitae indicates that this missense variant is not expected to disrupt STX1B protein function with a negative predictive value of 80%. Algorithms developed to predict the effect of sequence changes on RNA splicing suggest that this variant may disrupt the consensus splice site. In summary, the available evidence is currently insufficient to determine the role of this variant in disease. Therefore, it has been classified as a Variant of Uncertain Significance.